The following is an entry in ClinVar:

NM_005188.4(CBL):c.1227+5G>A

Gene: CBL (Cbl proto-oncogene; plus strand). Cytogenetic location: 11q23.3.
Variant type: single nucleotide variant.
Coding change: c.1227+5G>A on transcript NM_005188.4 (MANE Select); 5 bases into the intron after coding-DNA position 1227, G replaced by A.
Molecular consequence: intron variant.
Genome position (GRCh38, 1-based): chr11:119,278,302, G>A. VCF-style: chr11-119278302-G-A. GRCh37 (hg19) VCF-style: chr11-119149012-G-A.
Identifiers: ClinVar variation 936347 (VCV000936347.18), dbSNP rs756550704, ClinGen allele CA6318459.

ClinVar aggregate classification (germline): Conflicting classifications of pathogenicity. Review status: criteria provided, conflicting classifications (1 of 4 stars). 4 submissions from 4 submitters: Uncertain significance (3); Likely benign (1). Last evaluated 2025-12-08.

Conditions:
Juvenile myelomonocytic leukemia (JMML). Also called: LEUKEMIA, JUVENILE MYELOMONOCYTIC, SOMATIC. Identifiers: Orphanet 86834, MedGen C0349639, MONDO:0011908, OMIM 607785, HP:0012209.
CBL-related disorder. Also called: NOONAN SYNDROME-LIKE DISORDER WITHOUT JUVENILE MYELOMONOCYTIC LEUKEMIA; CBL MUTATION-ASSOCIATED SYNDROME; CBL SYNDROME. Identifiers: Orphanet 363972, MedGen C3150803, MONDO:0013308, OMIM 613563.
RASopathy. Also called: Noonan spectrum disorder; rasopathies. Identifiers: Orphanet 536391, MedGen C5555857, MONDO:0021060.

Allele frequency attached by ClinVar (database versions not stated): gnomAD 0.00001; TOPMed 0.00001; ExAC 0.00003; gnomAD exomes 0.00003 and 0.00004.
gnomAD v4.1: 42 of 1,613,776 alleles (0.0026%); highest among the groups gnomAD compares: South Asian, 0.026%; no homozygotes.

Submissions (4):

Labcorp Genetics (formerly Invitae), Labcorp
Classification: Uncertain significance for RASopathy. Last evaluated: 2025-12-08. Review status: criteria provided, single submitter. Criteria: Invitae Variant Classification Sherloc (09022015). Collection method: clinical testing. Allele origin: germline.
Comment: This sequence change falls in intron 8 of the CBL gene. It does not directly change the encoded amino acid sequence of the CBL protein. It affects a nucleotide within the consensus splice site. This variant is present in population databases (rs756550704, gnomAD 0.02%). This variant has not been reported in the literature in individuals affected with CBL-related conditions. ClinVar contains an entry for this variant (Variation ID: 936347). Variants that disrupt the consensus splice site are a relatively common cause of aberrant splicing (PMID: 17576681, 9536098). Algorithms developed to predict the effect of sequence changes on RNA splicing suggest that this variant may disrupt the consensus splice site. In summary, the available evidence is currently insufficient to determine the role of this variant in disease. Therefore, it has been classified as a Variant of Uncertain Significance.

Blueprint Genetics
Classification: Likely benign. Last evaluated: 2022-08-29. Review status: criteria provided, single submitter. Criteria: ACMG Guidelines, 2015. Collection method: clinical testing. Allele origin: germline.

Fulgent Genetics
Classification: Uncertain significance for Juvenile myelomonocytic leukemia; CBL-related disorder. Last evaluated: 2021-10-15. Review status: criteria provided, single submitter. Criteria: ACMG Guidelines, 2015. Collection method: clinical testing. Allele origin: unknown.

ARUP Laboratories, Molecular Genetics and Genomics, ARUP Laboratories
Classification: Uncertain significance. Last evaluated: 2020-03-21. Review status: criteria provided, single submitter. Criteria: ARUP Molecular Germline Variant Investigation Process. Collection method: clinical testing. Allele origin: germline.
Comment: The CBL c.1227+5G>A variant (rs756550704), to our knowledge, is not reported in the medical literature or gene-specific databases. This variant is found in the South Asian population with an overall allele frequency of 0.02% (6/30616 alleles) in the Genome Aggregation Database. This is an intronic variant in a moderately conserved nucleotide, and computational analyses (Alamut v.2.11) predict that this variant may impact splicing by weakening the nearby canonical donor splice site, although RNA studies would be required to confirm this. While missense variants comprise the majority of pathogenic CBL variants identified in Noonan syndrome or related Rasopathies, several splice variants in CBL have also been reported (Martinelli 2015). However, given the lack of specific clinical and functional data, the significance of the c.1227+5G>A variant is uncertain at this time. References: Martinelli S et al. Molecular Diversity and Associated Phenotypic Spectrum of Germline CBL Mutations. Hum Mutat. 2015 Aug;36(8):787-96.

Literature cited by the submitters: PubMed 17576681 (cited by Labcorp Genetics (formerly Invitae), Labcorp); PubMed 9536098 (cited by Labcorp Genetics (formerly Invitae), Labcorp).